The following is an entry in ClinVar:

ClinVar aggregate classification (germline): Uncertain significance (1 of 4 stars; one submission).

Conditions:
Ataxia-telangiectasia syndrome (AT). Also called: Ataxia-telangiectasia, complementation group D; AT, COMPLEMENTATION GROUP C; ATAXIA-TELANGIECTASIA, COMPLEMENTATION GROUP A; ATAXIA-TELANGIECTASIA, FRESNO VARIANT; Ataxia telangiectasia (A-T); Ataxia-telangiectasia. Identifiers: Orphanet 100, MedGen C0004135, MONDO:0008840, OMIM 208900.

Submission:

Labcorp Genetics (formerly Invitae), Labcorp
Classification: Uncertain significance for Ataxia-telangiectasia syndrome. Last evaluated: 2023-05-07. Review status: criteria provided, single submitter. Criteria: Invitae Variant Classification Sherloc (09022015). Collection method: clinical testing. Allele origin: germline.
Comment: In summary, the available evidence is currently insufficient to determine the role of this variant in disease. Therefore, it has been classified as a Variant of Uncertain Significance. Algorithms developed to predict the effect of sequence changes on RNA splicing suggest that this variant may disrupt the consensus splice site. An algorithm developed to predict the effect of missense changes on protein structure and function (PolyPhen-2) suggests that this variant is likely to be tolerated. ClinVar contains an entry for this variant (Variation ID: 2096988). This variant has not been reported in the literature in individuals affected with ATM-related conditions. This variant is not present in population databases (gnomAD no frequency). This sequence change replaces cysteine, which is neutral and slightly polar, with glycine, which is neutral and non-polar, at codon 1821 of the ATM protein (p.Cys1821Gly).

NM_000051.4(ATM):c.5461T>G (p.Cys1821Gly)

Gene: ATM (ATM serine/threonine kinase; plus strand). Cytogenetic location: 11q22.3.
Variant type: single nucleotide variant.
Coding change: c.5461T>G on transcript NM_000051.4 (MANE Select); coding-DNA position 5461, T replaced by G.
Protein change: p.Cys1821Gly; replaces cysteine 1821 with glycine.
Molecular consequence: missense variant.
Genome position (GRCh38, 1-based): chr11:108,302,994, T>G. VCF-style: chr11-108302994-T-G. GRCh37 (hg19) VCF-style: chr11-108173721-T-G.
Other names: c.5461T>G, p.Cys1821Gly (NM_001351834.2); short protein forms C1821G.
Identifiers: ClinVar variation 2096988 (VCV002096988.4), dbSNP rs562930561, ClinGen allele CA382544326.